The following is an entry in ClinVar:

NM_023036.6(DNAI2):c.837_838insACTGTCTCTTATACACATC (p.Cys280fs)

Gene: DNAI2 (dynein axonemal intermediate chain 2; plus strand). Cytogenetic location: 17q25.1.
Variant type: Insertion.
Coding change: c.837_838insACTGTCTCTTATACACATC on transcript NM_023036.6 (MANE Select); coding-DNA positions 837 to 838, ACTGTCTCTTATACACATC inserted.
Protein change: p.Cys280fs; shifts the reading frame from cysteine 280.
Molecular consequence: frameshift variant. On other transcripts: non-coding transcript variant (1).
Genome position: GRCh38 VCF-style: chr17-74299830-G-GACTGTCTCTTATACACATC. GRCh37 (hg19) VCF-style: chr17-72295969-G-GACTGTCTCTTATACACATC.
Other names: c.837_838insACTGTCTCTTATACACATC, p.Cys280fs (NM_001172810.3, NM_001353167.2); short protein forms C280fs.
Identifiers: ClinVar variation 5011020 (VCV005011020.1).

ClinVar aggregate classification (germline): Pathogenic (1 of 4 stars; one submission).

Conditions:
Primary ciliary dyskinesia 9. Also called: CILIARY DYSKINESIA, PRIMARY, 9, WITH OR WITHOUT SITUS INVERSUS. Identifiers: Orphanet 244, MedGen C2676235, MONDO:0012906, OMIM 612444.

Submission:

Myriad Genetics, Inc.
Classification: Pathogenic for Primary ciliary dyskinesia 9. Last evaluated: 2024-05-14. Review status: criteria provided, single submitter. Criteria: Myriad Autosomal Dominant, Autosomal Recessive and X-Linked Classification Criteria (2023). Collection method: clinical testing. Allele origin: unknown.
Comment: NM_023036.4(DNAI2):c.837_838ins19(C280Tfs*29) is expected to be pathogenic in the context of primary ciliary dyskinesia, DNAI2-related. This variant is predicted to lead to an abnormal or absent protein product due to the creation of a premature termination codon in DNAI2, a gene where loss-of-function variants are known to be pathogenic. Please note: this variant was assessed in the context of healthy population screening.